The following is an entry in ClinVar:

NM_002439.5(MSH3):c.1764-14C>G

Gene: MSH3 (mutS homolog 3; plus strand). Cytogenetic location: 5q14.1.
Variant type: single nucleotide variant.
Coding change: c.1764-14C>G on transcript NM_002439.5 (MANE Select); 14 bases into the intron before coding-DNA position 1764, C replaced by G.
Molecular consequence: intron variant.
Genome position (GRCh38, 1-based): chr5:80,761,532, C>G. VCF-style: chr5-80761532-C-G. GRCh37 (hg19) VCF-style: chr5-80057351-C-G.
Identifiers: ClinVar variation 3398709 (VCV003398709.3).

ClinVar aggregate classification (germline): Likely pathogenic (1 of 4 stars; one submission).

Conditions:
Hereditary cancer-predisposing syndrome. Also called: Hereditary neoplastic syndrome; Tumor predisposition; Neoplastic Syndromes, Hereditary; Hereditary Cancer Syndrome. Identifiers: Orphanet 140162, MedGen C0027672, MeSH D009386, MONDO:0015356.

Submission:

Ambry Genetics
Classification: Likely pathogenic for Hereditary cancer-predisposing syndrome. Last evaluated: 2026-01-20. Review status: criteria provided, single submitter. Criteria: Ambry Variant Classification Scheme 2023. Collection method: clinical testing. Allele origin: germline.
Comment: The c.1764-14C>G intronic variant results from a C to G substitution 14 nucleotides upstream from coding exon 13 in the MSH3 gene. This nucleotide position is not well conserved in available vertebrate species. In silico splice site analysis predicts that this alteration will weaken the native splice acceptor site and may result in the creation or strengthening of a novel splice acceptor site. RNA studies have demonstrated that this alteration results in abnormal splicing in the set of samples tested (Ambry internal data). This variant is considered to be rare based on population cohorts in the Genome Aggregation Database (gnomAD). Based on the majority of available evidence to date, this variant is likely to be pathogenic.